The following is an entry in ClinVar:

NM_001723.7(DST):c.7490A>G (p.Lys2497Arg)

Gene: DST (dystonin; minus strand). Cytogenetic location: 6p12.1.
Variant type: single nucleotide variant.
Coding change: c.7490A>G on transcript NM_001723.7 (MANE Plus Clinical); coding-DNA position 7490, A replaced by G.
Protein change: p.Lys2497Arg; replaces lysine 2497 with arginine.
Molecular consequence: missense variant. On other transcripts: intron variant (10).
Genome position (GRCh38, 1-based): chr6:56,615,977, T>C on the plus strand (A>G on the coding strand, the complement: DST is on the minus strand). VCF-style: chr6-56615977-T-C. GRCh37 (hg19) VCF-style: chr6-56480775-T-C.
Other names: c.4831-1493A>G (NM_001144769.5); c.4930-1493A>G (NM_001374722.1, NM_001374736.1); c.4957-1493A>G (NM_001374734.1); c.4417-1493A>G (NM_001144770.2); c.4297-1493A>G (NM_001374730.1, NM_001386100.1, NM_183380.4 and 1 more transcripts); c.3319-1493A>G (NM_015548.5); short protein forms K2497R.
Identifiers: ClinVar variation 1042731 (VCV001042731.6), dbSNP rs749052716, ClinGen allele CA3869955.
Genomic context (GRCh38, chr6:56,615,977, plus strand): 5'-AGCTGCTGGGCAAACCCCTCATCAACCAGGCCTCTATGCAAAGCTTCGGCCACCCGGTAC[T>C]TTTTGCCAGTAAGAGGATCAATTATGCCCCCTGTACTGACTTGGGCTTCAAGGCATCGGA-3'
Protein context (NP_001714.1, residues 2487-2507): GGIIDPLTGK[Lys2497Arg]YRVAEALHRG

ClinVar aggregate classification (germline): Uncertain significance (1 of 4 stars; one submission).

Conditions:
Epidermolysis bullosa simplex 3, localized or generalized intermediate, with BP230 deficiency (EBS3). Also called: Epidermolysis bullosa simplex, autosomal recessive 2; Epidermolysis bullosa simplex due to BP230 deficiency. Identifiers: Orphanet 412181, MedGen C3809470, MONDO:0014180, OMIM 615425.
Hereditary sensory and autonomic neuropathy type 6. Also called: Neuropathy, hereditary sensory and autonomic, type VI; HSAN VI. Identifiers: Orphanet 314381, MedGen C3539003, MONDO:0013839, OMIM 614653.

Allele frequency attached by ClinVar (database versions not stated): ExAC 0.00001; gnomAD 0.00001; gnomAD exomes 0.00001; TOPMed 0.00001.
gnomAD v4.1: 5 of 1,614,108 alleles (0.00031%); highest among the groups gnomAD compares: Non-Finnish European, 0.00042%; no homozygotes.

Submission:

Labcorp Genetics (formerly Invitae), Labcorp
Classification: Uncertain significance for Epidermolysis bullosa simplex 3, localized or generalized intermediate, with BP230 deficiency; Hereditary sensory and autonomic neuropathy type 6. Last evaluated: 2021-08-28. Review status: criteria provided, single submitter. Criteria: Invitae Variant Classification Sherloc (09022015). Collection method: clinical testing. Allele origin: germline.
Comment: This sequence change replaces lysine with arginine at codon 2497 of the DST protein (p.Lys2497Arg). The lysine residue is weakly conserved and there is a small physicochemical difference between lysine and arginine. This variant is present in population databases (rs749052716, ExAC 0.001%). This variant has not been reported in the literature in individuals affected with DST-related conditions. Algorithms developed to predict the effect of missense changes on protein structure and function (SIFT, PolyPhen-2, Align-GVGD) all suggest that this variant is likely to be tolerated. Algorithms developed to predict the effect of sequence changes on RNA splicing suggest that this variant may create or strengthen a splice site. In summary, the available evidence is currently insufficient to determine the role of this variant in disease. Therefore, it has been classified as a Variant of Uncertain Significance.